The following is an entry in ClinVar:

ClinVar aggregate classification (germline): Likely pathogenic (1 of 4 stars; one submission).

Conditions:
VISS syndrome. Also called: VASCULAR ANEURYSM, IMMUNE DYSREGULATION, SKELETAL ANOMALIES, AND SKIN AND JOINT LAXITY. Identifiers: MedGen C5561955, MONDO:0859177, OMIM 619472.

gnomAD v4.1: 1 of 1,555,966 alleles (0.000064%); highest among the groups gnomAD compares: Non-Finnish European, 0.000087%; no homozygotes.

Submission:

SIB Swiss Institute of Bioinformatics
Classification: Likely pathogenic for VISS syndrome. Last evaluated: 2022-03-09. Review status: criteria provided, single submitter. Criteria: ACMG Guidelines, 2015. Collection method: curation. Allele origin: unknown.
Comment: This variant is interpreted as likely pathogenic for VISS syndrome, autosomal recessive. The following ACMG Tag(s) were applied: Absent from controls (or at extremely low frequency if recessive) in Exome Sequencing Project, 1000 Genomes Project, or Exome Aggregation Consortium (PM2); Predicted nullvariant in a gene where LOF is a known mechanism of disease (PVS1 downgraded to strong).

Literature cited by the submitters: PubMed 33875846.

NM_006390.4(IPO8):c.1933C>T (p.Gln645Ter)

Gene: IPO8 (importin 8; minus strand). Cytogenetic location: 12p11.21.
Variant type: single nucleotide variant.
Coding change: c.1933C>T on transcript NM_006390.4 (MANE Select); coding-DNA position 1933, C replaced by T.
Protein change: p.Gln645Ter; replaces glutamine 645 with a stop codon.
Molecular consequence: nonsense.
Genome position (GRCh38, 1-based): chr12:30,656,699, G>A on the plus strand (C>T on the coding strand, the complement: IPO8 is on the minus strand). VCF-style: chr12-30656699-G-A. GRCh37 (hg19) VCF-style: chr12-30809633-G-A.
Other names: c.1318C>T, p.Gln440Ter (NM_001190995.2); short protein forms Q440*, Q645*.
Identifiers: ClinVar variation 1526426 (VCV001526426.1), dbSNP rs2136144177, ClinGen allele CA384225328.